The following is an entry in ClinVar:

NM_001111125.3(IQSEC2):c.1428C>T (p.Asp476=)

Gene: IQSEC2 (IQ motif and Sec7 domain ArfGEF 2; minus strand). Cytogenetic location: Xp11.22.
Variant type: single nucleotide variant.
Coding change: c.1428C>T on transcript NM_001111125.3 (MANE Select); coding-DNA position 1428, C replaced by T.
Protein change: p.Asp476=; no amino-acid change (aspartic acid 476 retained).
Molecular consequence: synonymous variant.
Genome position (GRCh38, 1-based): chrX:53,251,148, G>A on the plus strand (C>T on the coding strand, the complement: IQSEC2 is on the minus strand). VCF-style: chrX-53251148-G-A. GRCh37 (hg19) VCF-style: chrX-53280330-G-A.
Other names: c.813C>T, p.Asp271= (NM_015075.2).
Identifiers: ClinVar variation 506754 (VCV000506754.13), dbSNP rs781915467, ClinGen allele CA10420058.

ClinVar aggregate classification (germline): Likely benign. Review status: criteria provided, multiple submitters, no conflicts (2 of 4 stars). 3 submissions from 3 submitters: Likely benign (3). Last evaluated 2025-04-08.

Conditions:
Inborn genetic diseases. Identifiers: MedGen C0950123, MeSH D030342.
Intellectual developmental disorder, X-linked 1. Also called: MENTAL RETARDATION, X-LINKED 18; MENTAL RETARDATION, X-LINKED 78; Intellectual disability, X-linked 1; Atkin Flaitz Patil Smith syndrome. Identifiers: Orphanet 777, MedGen C2931498, MONDO:0010656, OMIM 309530.

Allele frequency attached by ClinVar (database versions not stated): gnomAD exomes 0.00001; gnomAD 0.00001; TOPMed 0.00002; ExAC 0.00002.
gnomAD v4.1: 12 of 1,209,295 alleles (0.00099%); highest among the groups gnomAD compares: East Asian, 0.003%; no homozygotes.

Submissions (3):

Labcorp Genetics (formerly Invitae), Labcorp
Classification: Likely benign for Intellectual developmental disorder, X-linked 1. Last evaluated: 2025-04-08. Review status: criteria provided, single submitter. Criteria: Invitae Variant Classification Sherloc (09022015). Collection method: clinical testing. Allele origin: germline.

Ambry Genetics
Classification: Likely benign for Inborn genetic diseases. Last evaluated: 2020-03-11. Review status: criteria provided, single submitter. Criteria: Ambry Variant Classification Scheme 2023. Collection method: clinical testing. Allele origin: germline.

GeneDx
Classification: Likely benign. Last evaluated: 2017-01-18. Review status: criteria provided, single submitter. Criteria: GeneDx Variant Classification (06012015). Collection method: clinical testing. Allele origin: germline. Affected: yes.
Comment: This variant is considered likely benign or benign based on one or more of the following criteria: it is a conservative change, it occurs at a poorly conserved position in the protein, it is predicted to be benign by multiple in silico algorithms, and/or has population frequency not consistent with disease.